The following is an entry in ClinVar:

NM_001379291.1(BRD4):c.875C>G (p.Ala292Gly)

Gene: BRD4 (bromodomain containing 4; minus strand). Cytogenetic location: 19p13.12.
Variant type: single nucleotide variant.
Coding change: c.875C>G on transcript NM_001379291.1 (MANE Select); coding-DNA position 875, C replaced by G.
Protein change: p.Ala292Gly; replaces alanine 292 with glycine.
Molecular consequence: missense variant.
Genome position (GRCh38, 1-based): chr19:15,264,741, G>C on the plus strand (C>G on the coding strand, the complement: BRD4 is on the minus strand). VCF-style: chr19-15264741-G-C. GRCh37 (hg19) VCF-style: chr19-15375552-G-C.
Other names: c.875C>G, p.Ala292Gly (NM_001330384.2, NM_001379292.1, NM_014299.3 and 1 more transcripts); short protein forms A292G.
Identifiers: ClinVar variation 3600963 (VCV003600963.1).

ClinVar aggregate classification (germline): Uncertain significance (1 of 4 stars; one submission).

Submission:

GeneDx
Classification: Uncertain significance. Last evaluated: 2024-07-22. Review status: criteria provided, single submitter. Criteria: GeneDx Variant Classification Process June 2021. Collection method: clinical testing. Allele origin: germline. Affected: yes.
Comment: Not observed at significant frequency in large population cohorts (gnomAD); In silico analysis supports that this missense variant has a deleterious effect on protein structure/function; Has not been previously published as pathogenic or benign to our knowledge